The following is an entry in ClinVar:

ClinVar aggregate classification (germline): Uncertain significance (1 of 4 stars; one submission).

gnomAD v4.1: 10 of 1,613,376 alleles (0.00062%); highest among the groups gnomAD compares: African/African-American, 0.012%; no homozygotes.

Submission:

Labcorp Genetics (formerly Invitae), Labcorp
Classification: Uncertain significance. Last evaluated: 2025-11-25. Review status: criteria provided, single submitter. Criteria: Invitae Variant Classification Sherloc (09022015). Collection method: clinical testing. Allele origin: germline.
Comment: This sequence change replaces isoleucine, which is neutral and non-polar, with leucine, which is neutral and non-polar, at codon 1140 of the FOCAD protein (p.Ile1140Leu). This variant is present in population databases (rs144863468, gnomAD 0.01%). This variant has not been reported in the literature in individuals affected with FOCAD-related conditions. Experimental studies and prediction algorithms are not available or were not evaluated, and the functional significance of this variant is currently unknown. In summary, the available evidence is currently insufficient to determine the role of this variant in disease. Therefore, it has been classified as a Variant of Uncertain Significance.

NM_001375567.1(FOCAD):c.3418A>T (p.Ile1140Leu)

Gene: FOCAD (focadhesin; plus strand). Cytogenetic location: 9p21.3.
Variant type: single nucleotide variant.
Coding change: c.3418A>T on transcript NM_001375567.1 (MANE Select); coding-DNA position 3418, A replaced by T.
Protein change: p.Ile1140Leu; replaces isoleucine 1140 with leucine.
Molecular consequence: missense variant.
Genome position (GRCh38, 1-based): chr9:20,944,637, A>T. VCF-style: chr9-20944637-A-T. GRCh37 (hg19) VCF-style: chr9-20944636-A-T.
Other names: c.3313A>T, p.Ile1105Leu (NM_001375568.1, NM_001375570.1); c.3418A>T, p.Ile1140Leu (NM_017794.5); short protein forms I1140L, I1105L.
Identifiers: ClinVar variation 4752431 (VCV004752431.1).
Genomic context (GRCh38, chr9:20,944,637, plus strand): 5'-TTGTGTGGATTTCTTATGATCCTAACATCTTATCTTTTTTGGCTTCCAAGCACGGGCTGT[A>T]TATTGGGAGTTGGACTTGTTCTGTCCCTCATGAGCCACAGCAGCCAAATGCAGTCCCGCG-3'
Protein context (NP_001362496.1, residues 1130-1150): DTSLEYNTGC[Ile1140Leu]LGVGLVLSLM